The following is an entry in ClinVar:

NM_000283.4(PDE6B):c.202G>A (p.Glu68Lys)

Gene: PDE6B (phosphodiesterase 6B; plus strand). Cytogenetic location: 4p16.3.
Variant type: single nucleotide variant.
Coding change: c.202G>A on transcript NM_000283.4 (MANE Select); coding-DNA position 202, G replaced by A.
Protein change: p.Glu68Lys; replaces glutamic acid 68 with lysine.
Molecular consequence: missense variant.
Genome position (GRCh38, 1-based): chr4:625,828, G>A. VCF-style: chr4-625828-G-A. GRCh37 (hg19) VCF-style: chr4-619617-G-A.
Other names: c.202G>A, p.Glu68Lys (NM_001145291.2); short protein forms E68K.
Identifiers: ClinVar variation 1027013 (VCV001027013.8), dbSNP rs1258894644, ClinGen allele CA355906394.
Genomic context (GRCh38, chr4:625,828, plus strand): 5'-CGGGACCTCTGCCAGGTGGAGGAGAGCACGGCGCTGCTGGAGCTGGTGCAGGATATGCAG[G>A]AGAGCATCAACATGGAGCGCGTGGTCTTCAAGGTCCTGCGGCGCCTCTGCACCCTCCTGC-3'
Protein context (NP_000274.3, residues 58-78): ALLELVQDMQ[Glu68Lys]SINMERVVFK

ClinVar aggregate classification (germline): Uncertain significance (1 of 4 stars; one submission).

Submission:

Labcorp Genetics (formerly Invitae), Labcorp
Classification: Uncertain significance. Last evaluated: 2022-11-01. Review status: criteria provided, single submitter. Criteria: Invitae Variant Classification Sherloc (09022015). Collection method: clinical testing. Allele origin: germline.
Comment: In summary, the available evidence is currently insufficient to determine the role of this variant in disease. Therefore, it has been classified as a Variant of Uncertain Significance. Advanced modeling of protein sequence and biophysical properties (such as structural, functional, and spatial information, amino acid conservation, physicochemical variation, residue mobility, and thermodynamic stability) performed at Invitae indicates that this missense variant is not expected to disrupt PDE6B protein function. ClinVar contains an entry for this variant (Variation ID: 1027013). This variant has not been reported in the literature in individuals affected with PDE6B-related conditions. This variant is not present in population databases (gnomAD no frequency). This sequence change replaces glutamic acid, which is acidic and polar, with lysine, which is basic and polar, at codon 68 of the PDE6B protein (p.Glu68Lys).